The following is an entry in ClinVar:

NM_001042492.3(NF1):c.4008G>C (p.Gln1336His)

Gene: NF1 (neurofibromin 1; plus strand). Cytogenetic location: 17q11.2.
Variant type: single nucleotide variant.
Coding change: c.4008G>C on transcript NM_001042492.3 (MANE Select); coding-DNA position 4008, G replaced by C.
Protein change: p.Gln1336His; replaces glutamine 1336 with histidine.
Molecular consequence: missense variant.
Genome position (GRCh38, 1-based): chr17:31,249,017, G>C. VCF-style: chr17-31249017-G-C. GRCh37 (hg19) VCF-style: chr17-29576035-G-C.
Other names: c.4008G>C, p.Gln1336His (NM_000267.4); short protein forms Q1336H.
Identifiers: ClinVar variation 2000078 (VCV002000078.4), dbSNP rs2067448530, ClinGen allele CA398994881.

ClinVar aggregate classification (germline): Uncertain significance (1 of 4 stars; one submission).

Conditions:
Neurofibromatosis, type 1 (NF1). Also called: Neurofibromatosis, type I; Peripheral type neurofibromatosis; NEUROFIBROMATOSIS, TYPE I, SOMATIC; VON RECKLINGHAUSEN DISEASE. Identifiers: Orphanet 636, MedGen C0027831, MONDO:0018975, OMIM 162200. Disease mechanism: loss of function.

Submission:

Labcorp Genetics (formerly Invitae), Labcorp
Classification: Uncertain significance for Neurofibromatosis, type 1. Last evaluated: 2026-01-07. Review status: criteria provided, single submitter. Criteria: Invitae Variant Classification Sherloc (09022015). Collection method: clinical testing. Allele origin: germline.
Comment: This sequence change replaces glutamine, which is neutral and polar, with histidine, which is basic and polar, at codon 1336 of the NF1 protein (p.Gln1336His). This variant is not present in population databases (gnomAD no frequency). This variant has not been reported in the literature in individuals affected with NF1-related conditions. ClinVar contains an entry for this variant (Variation ID: 2000078). Invitae Evidence Modeling of protein sequence and biophysical properties (such as structural, functional, and spatial information, amino acid conservation, physicochemical variation, residue mobility, and thermodynamic stability) indicates that this missense variant is expected to disrupt NF1 protein function with a positive predictive value of 95%. In summary, the available evidence is currently insufficient to determine the role of this variant in disease. Therefore, it has been classified as a Variant of Uncertain Significance.